The following is an entry in ClinVar:

NM_020338.4(ZMIZ1):c.2672A>G (p.Asn891Ser)

Gene: ZMIZ1 (zinc finger MIZ-type containing 1; plus strand). Cytogenetic location: 10q22.3.
Variant type: single nucleotide variant.
Coding change: c.2672A>G on transcript NM_020338.4 (MANE Select); coding-DNA position 2672, A replaced by G.
Protein change: p.Asn891Ser; replaces asparagine 891 with serine.
Molecular consequence: missense variant.
Genome position (GRCh38, 1-based): chr10:79,307,408, A>G. VCF-style: chr10-79307408-A-G. GRCh37 (hg19) VCF-style: chr10-81067165-A-G.
Other names: short protein forms N891S.
Identifiers: ClinVar variation 2779018 (VCV002779018.3), dbSNP rs1854784210, ClinGen allele CA377343266.

ClinVar aggregate classification (germline): Uncertain significance (1 of 4 stars; one submission).

Allele frequency attached by ClinVar (database versions not stated): TOPMed below 0.00001.

Submission:

Labcorp Genetics (formerly Invitae), Labcorp
Classification: Uncertain significance. Last evaluated: 2024-01-09. Review status: criteria provided, single submitter. Criteria: Invitae Variant Classification Sherloc (09022015). Collection method: clinical testing. Allele origin: germline.
Comment: This sequence change replaces asparagine, which is neutral and polar, with serine, which is neutral and polar, at codon 891 of the ZMIZ1 protein (p.Asn891Ser). This variant is not present in population databases (gnomAD no frequency). This variant has not been reported in the literature in individuals affected with ZMIZ1-related conditions. Advanced modeling of protein sequence and biophysical properties (such as structural, functional, and spatial information, amino acid conservation, physicochemical variation, residue mobility, and thermodynamic stability) performed at Invitae indicates that this missense variant is not expected to disrupt ZMIZ1 protein function with a negative predictive value of 80%. In summary, the available evidence is currently insufficient to determine the role of this variant in disease. Therefore, it has been classified as a Variant of Uncertain Significance.